The following is an entry in ClinVar:

NM_017534.6(MYH2):c.5386G>A (p.Val1796Met)

Genes: MYH2 (myosin heavy chain 2; minus strand), MYHAS (myosin heavy chain gene cluster antisense RNA; plus strand). Cytogenetic location: 17p13.1.
Variant type: single nucleotide variant.
Coding change: c.5386G>A on transcript NM_017534.6 (MANE Select); coding-DNA position 5386, G replaced by A.
Protein change: p.Val1796Met; replaces valine 1796 with methionine.
Molecular consequence: missense variant.
Genome position (GRCh38, 1-based): chr17:10,523,582, C>T on the plus strand (G>A on the coding strand, the complement: MYH2 is on the minus strand). VCF-style: chr17-10523582-C-T. GRCh37 (hg19) VCF-style: chr17-10426899-C-T.
Other names: c.5386G>A, p.Val1796Met (NM_001100112.2); short protein forms V1796M.
Identifiers: ClinVar variation 1512252 (VCV001512252.6), dbSNP rs778350338, ClinGen allele CA8390407.

ClinVar aggregate classification (germline): Uncertain significance (1 of 4 stars; one submission).

Conditions:
Myopathy, proximal, and ophthalmoplegia (CMYO6). Also called: MYOPATHY WITH CONGENITAL JOINT CONTRACTURES, OPHTHALMOPLEGIA, AND RIMMED VACUOLES; INCLUSION BODY MYOPATHY 3, AUTOSOMAL DOMINANT; CONGENITAL MYOPATHY 6 WITH OPHTHALMOPLEGIA. Identifiers: Orphanet 363677, Orphanet 79091, MedGen C1854106, MONDO:0011577, OMIM 605637.

Allele frequency attached by ClinVar (database versions not stated): gnomAD 0.00001; ExAC 0.00002; TOPMed 0.00002.
gnomAD v4.1: 13 of 1,614,112 alleles (0.00081%); highest among the groups gnomAD compares: South Asian, 0.0033%; 1 homozygote.

Submission:

Labcorp Genetics (formerly Invitae), Labcorp
Classification: Uncertain significance for Myopathy, proximal, and ophthalmoplegia. Last evaluated: 2025-08-20. Review status: criteria provided, single submitter. Criteria: Invitae Variant Classification Sherloc (09022015). Collection method: clinical testing. Allele origin: germline.
Comment: This sequence change replaces valine, which is neutral and non-polar, with methionine, which is neutral and non-polar, at codon 1796 of the MYH2 protein (p.Val1796Met). This variant is present in population databases (rs778350338, gnomAD 0.003%). This variant has not been reported in the literature in individuals affected with MYH2-related conditions. ClinVar contains an entry for this variant (Variation ID: 1512252). Invitae Evidence Modeling of protein sequence and biophysical properties (such as structural, functional, and spatial information, amino acid conservation, physicochemical variation, residue mobility, and thermodynamic stability) indicates that this missense variant is not expected to disrupt MYH2 protein function with a negative predictive value of 80%. In summary, the available evidence is currently insufficient to determine the role of this variant in disease. Therefore, it has been classified as a Variant of Uncertain Significance.